The following is an entry in ClinVar:

ClinVar aggregate classification (germline): Uncertain significance (1 of 4 stars; one submission).

Submission:

GeneDx
Classification: Uncertain significance. Last evaluated: 2025-02-21. Review status: criteria provided, single submitter. Criteria: GeneDx Variant Classification Process June 2021. Collection method: clinical testing. Allele origin: germline. Affected: yes.
Comment: Not observed at significant frequency in large population cohorts (gnomAD); In silico analysis indicates that this missense variant does not alter protein structure/function; Has not been previously published as pathogenic or benign to our knowledge

NM_006329.4(FBLN5):c.956G>C (p.Arg319Pro)

Gene: FBLN5 (fibulin 5; minus strand). Cytogenetic location: 14q32.12.
Variant type: single nucleotide variant.
Coding change: c.956G>C on transcript NM_006329.4 (MANE Select); coding-DNA position 956, G replaced by C.
Protein change: p.Arg319Pro; replaces arginine 319 with proline.
Molecular consequence: missense variant.
Genome position (GRCh38, 1-based): chr14:91,881,325, C>G on the plus strand (G>C on the coding strand, the complement: FBLN5 is on the minus strand). VCF-style: chr14-91881325-C-G. GRCh37 (hg19) VCF-style: chr14-92347669-C-G.
Other names: c.1079G>C, p.Arg360Pro (NM_001384158.1); c.1007G>C, p.Arg336Pro (NM_001384159.1); c.956G>C, p.Arg319Pro (NM_001384160.1); c.788G>C, p.Arg263Pro (NM_001384161.1, NM_001384162.1); short protein forms R263P, R319P, R336P, R360P.
Identifiers: ClinVar variation 4076792 (VCV004076792.1).